The following is an entry in ClinVar:

ClinVar aggregate classification (germline): Uncertain significance (1 of 4 stars; one submission).

Conditions:
ABCC8-related disorder.

Allele frequency attached by ClinVar (database versions not stated): gnomAD exomes below 0.00001.
gnomAD v4.1: 4 of 1,614,112 alleles (0.00025%); highest among the groups gnomAD compares: Non-Finnish European, 0.00034%; no homozygotes.

Submission:

PreventionGenetics, part of Exact Sciences
Classification: Uncertain significance for ABCC8-related condition. Last evaluated: 2023-08-08. Review status: criteria provided, single submitter. Criteria: ACMG Guidelines, 2015. Collection method: clinical testing. Allele origin: germline.
Comment: The ABCC8 c.1525C>A variant is predicted to result in the amino acid substitution p.Leu509Met. To our knowledge, this variant has not been reported in the literature or in a large population database, indicating this variant is rare. At this time, the clinical significance of this variant is uncertain due to the absence of conclusive functional and genetic evidence.

NM_000352.6(ABCC8):c.1525C>A (p.Leu509Met)

Gene: ABCC8 (ATP binding cassette subfamily C member 8; minus strand). Cytogenetic location: 11p15.1.
Variant type: single nucleotide variant.
Coding change: c.1525C>A on transcript NM_000352.6 (MANE Select); coding-DNA position 1525, C replaced by A.
Protein change: p.Leu509Met; replaces leucine 509 with methionine.
Molecular consequence: missense variant. On other transcripts: non-coding transcript variant (1).
Genome position (GRCh38, 1-based): chr11:17,442,825, G>T on the plus strand (C>A on the coding strand, the complement: ABCC8 is on the minus strand). VCF-style: chr11-17442825-G-T. GRCh37 (hg19) VCF-style: chr11-17464372-G-T.
Other names: c.1525C>A, p.Leu509Met (NM_001287174.3, NM_001351295.2); c.1522C>A, p.Leu508Met (NM_001351296.2, NM_001351297.2); short protein forms L508M, L509M.
Identifiers: ClinVar variation 2631658 (VCV002631658.1), dbSNP rs1683872043, ClinGen allele CA379766542.